The following is an entry in ClinVar:

ClinVar aggregate classification (germline): Uncertain significance (1 of 4 stars; one submission).

Conditions:
Hereditary cancer-predisposing syndrome. Also called: Hereditary Cancer Syndrome; Hereditary neoplastic syndrome; Neoplastic Syndromes, Hereditary; Tumor predisposition. Identifiers: Orphanet 140162, MedGen C0027672, MeSH D009386, MONDO:0015356.

Submission:

Ambry Genetics
Classification: Uncertain significance for Hereditary cancer-predisposing syndrome. Last evaluated: 2022-09-27. Review status: criteria provided, single submitter. Criteria: Ambry Variant Classification Scheme 2023. Collection method: clinical testing. Allele origin: germline.
Comment: The p.A193S variant (also known as c.577G>T), located in coding exon 5 of the APC gene, results from a G to T substitution at nucleotide position 577. The alanine at codon 193 is replaced by serine, an amino acid with similar properties. This amino acid position is conserved. In addition, in silico predictors for this gene do not accurately predict pathogenicity. Since supporting evidence is limited at this time, the clinical significance of this alteration remains unclear.

NM_000038.6(APC):c.577G>T (p.Ala193Ser)

Gene: APC (APC regulator of Wnt signaling pathway; plus strand). Cytogenetic location: 5q22.2.
Variant type: single nucleotide variant.
Coding change: c.577G>T on transcript NM_000038.6 (MANE Select); coding-DNA position 577, G replaced by T.
Protein change: p.Ala193Ser; replaces alanine 193 with serine.
Molecular consequence: missense variant. On other transcripts: 5 prime UTR variant (1).
Genome position (GRCh38, 1-based): chr5:112,780,835, G>T. VCF-style: chr5-112780835-G-T. GRCh37 (hg19) VCF-style: chr5-112116532-G-T.
Other names: c.577G>T, p.Ala193Ser (NM_001127510.3, NM_001354895.2, NM_001354896.2 and 16 more transcripts); c.607G>T, p.Ala203Ser (NM_001127511.3, NM_001354897.2, NM_001354902.2 and 1 more transcripts); c.502G>T, p.Ala168Ser (NM_001354898.2, NM_001354904.2, NM_001407451.1); c.400G>T, p.Ala134Ser (NM_001354900.2, NM_001354901.2, NM_001354905.2 and 1 more transcripts); c.-459G>T (NM_001354906.2, NM_001407470.1, NM_001407471.1 and 1 more transcripts); short protein forms A134S, A193S, A203S, A168S.
Identifiers: ClinVar variation 1749606 (VCV001749606.2), dbSNP rs2149639764, ClinGen allele CA16022600.